The following is an entry in ClinVar:

NM_020975.6(RET):c.296G>A (p.Arg99Gln)

Gene: RET (ret proto-oncogene; plus strand). Cytogenetic location: 10q11.21.
Variant type: single nucleotide variant.
Coding change: c.296G>A on transcript NM_020975.6 (MANE Select); coding-DNA position 296, G replaced by A.
Protein change: p.Arg99Gln; replaces arginine 99 with glutamine.
Molecular consequence: missense variant.
Genome position (GRCh38, 1-based): chr10:43,100,681, G>A. VCF-style: chr10-43100681-G-A. GRCh37 (hg19) VCF-style: chr10-43596129-G-A.
Other names: c.296G>A, p.Arg99Gln (NM_000323.2, NM_001406743.1, NM_001406744.1 and 34 more transcripts); short protein forms R99Q.
Identifiers: ClinVar variation 241354 (VCV000241354.18), dbSNP rs749500174, ClinGen allele CA041821.
Genomic context (GRCh38, chr10:43,100,681, plus strand): 5'-GGCTGCATGAGAACAACTGGATCTGCATCCAGGAGGACACCGGCCTCCTCTACCTTAACC[G>A]GAGCCTGGACCATAGCTCCTGGGAGAAGCTCAGTGTCCGCAGTAAGGGAGCCGCCCCAAC-3'
Protein context (NP_066124.1, residues 89-109): QEDTGLLYLN[Arg99Gln]SLDHSSWEKL

ClinVar aggregate classification (germline): Conflicting classifications of pathogenicity. Review status: criteria provided, conflicting classifications (1 of 4 stars). 4 submissions from 4 submitters: Uncertain significance (3); Likely benign (1). Last evaluated 2026-02-03.

Conditions:
Multiple endocrine neoplasia, type 2 (MEN2). Identifiers: Orphanet 653, MedGen C4048306, MONDO:0019003. Disease mechanism: gain of function.
Hereditary cancer-predisposing syndrome. Also called: Tumor predisposition; Neoplastic Syndromes, Hereditary; Hereditary Cancer Syndrome; Hereditary neoplastic syndrome. Identifiers: Orphanet 140162, MedGen C0027672, MeSH D009386, MONDO:0015356.

Allele frequency attached by ClinVar (database versions not stated): gnomAD exomes 0.00001 and 0.00003; ExAC 0.00002; gnomAD 0.00002; TOPMed 0.00002.
gnomAD v4.1: 42 of 1,609,350 alleles (0.0026%); highest among the groups gnomAD compares: African/African-American, 0.004%; no homozygotes.

Submissions (4):

Labcorp Genetics (formerly Invitae), Labcorp
Classification: Uncertain significance for Multiple endocrine neoplasia, type 2. Last evaluated: 2026-02-03. Review status: criteria provided, single submitter. Criteria: Invitae Variant Classification Sherloc (09022015). Collection method: clinical testing. Allele origin: germline.
Comment: This sequence change replaces arginine, which is basic and polar, with glutamine, which is neutral and polar, at codon 99 of the RET protein (p.Arg99Gln). The frequency data for this variant in the population databases is considered unreliable, as metrics indicate poor data quality at this position in the gnomAD database. This variant has not been reported in the literature in individuals affected with RET-related conditions. ClinVar contains an entry for this variant (Variation ID: 241354). An algorithm developed to predict the effect of missense changes on protein structure and function outputs the following: PolyPhen-2: "Benign". The glutamine amino acid residue is found in multiple mammalian species, which suggests that this missense change does not adversely affect protein function. In summary, the available evidence is currently insufficient to determine the role of this variant in disease. Therefore, it has been classified as a Variant of Uncertain Significance.

Color Diagnostics, LLC DBA Color Health
Classification: Uncertain significance for Multiple endocrine neoplasia, type 2. Last evaluated: 2024-07-24. Review status: criteria provided, single submitter. Criteria: ACMG Guidelines, 2015. Collection method: clinical testing. Allele origin: germline.
Comment: This missense variant replaces arginine with glutamine at codon 99 of the RET protein. Computational prediction suggests that this variant may not impact protein structure and function. To our knowledge, functional studies have not been reported for this variant. This variant has not been reported in individuals affected with RET-related disorders in the literature. This variant has been identified in 4/270478 chromosomes in the general population by the Genome Aggregation Database (gnomAD). The available evidence is insufficient to determine the role of this variant in disease conclusively. Therefore, this variant is classified as a Variant of Uncertain Significance.

Quest Diagnostics Nichols Institute San Juan Capistrano
Classification: Uncertain significance. Last evaluated: 2023-12-15. Review status: criteria provided, single submitter. Criteria: Quest Diagnostics criteria. Collection method: clinical testing. Allele origin: unknown.

Ambry Genetics
Classification: Likely benign for Hereditary cancer-predisposing syndrome. Last evaluated: 2019-10-03. Review status: criteria provided, single submitter. Criteria: Ambry Variant Classification Scheme 2023. Collection method: clinical testing. Allele origin: germline.